The following is an entry in ClinVar:

NM_000264.5(PTCH1):c.3919C>T (p.Pro1307Ser)

Gene: PTCH1 (patched 1; minus strand). Cytogenetic location: 9q22.32.
Variant type: single nucleotide variant.
Coding change: c.3919C>T on transcript NM_000264.5 (MANE Select); coding-DNA position 3919, C replaced by T.
Protein change: p.Pro1307Ser; replaces proline 1307 with serine.
Molecular consequence: missense variant. On other transcripts: non-coding transcript variant (1).
Genome position (GRCh38, 1-based): chr9:95,447,337, G>A on the plus strand (C>T on the coding strand, the complement: PTCH1 is on the minus strand). VCF-style: chr9-95447337-G-A. GRCh37 (hg19) VCF-style: chr9-98209619-G-A.
Other names: c.3721C>T, p.Pro1241Ser (NM_001083602.3); c.3916C>T, p.Pro1306Ser (NM_001083603.3); c.3466C>T, p.Pro1156Ser (NM_001083604.3, NM_001083605.3, NM_001083606.3 and 1 more transcripts); c.3763C>T, p.Pro1255Ser (NM_001354918.2); short protein forms P1241S, P1307S, P1156S, P1306S, P1255S.
Identifiers: ClinVar variation 132753 (VCV000132753.56), dbSNP rs574880967, ClinGen allele CA332089.
Genomic context (GRCh38, chr9:95,447,337, plus strand): 5'-TAGAAATTTCAAAAGCGTCTCTGCGCGGTCTGTAGGGGGGTGGCCACAAGCCTTCTCTGG[G>A]GGGGTCCCTGCGGGGCTGCTGGCCTTGCCGTCCGGGAGGCAGGGACCCTGAGTCCAGGTG-3'
Protein context (NP_000255.2, residues 1297-1317): RQGQQPRRDP[Pro1307Ser]REGLWPPPYR

ClinVar aggregate classification (germline): Conflicting classifications of pathogenicity. Review status: criteria provided, conflicting classifications (1 of 4 stars). 13 submissions from 12 submitters: Uncertain significance (4); Benign (1); Likely benign (8). Last evaluated 2026-02-03.

Conditions:
Basal cell carcinoma, susceptibility to, 1. Also called: BCC1. Identifiers: MedGen C2751544, MONDO:0011556, OMIM 605462.
Basal cell nevus syndrome 1 (BCNS1). Also called: GORLIN-GOLTZ SYNDROME; MULTIPLE BASAL CELL NEVI, ODONTOGENIC KERATOCYSTS, AND SKELETAL ANOMALIES. Identifiers: MedGen CN376810, MONDO:0958174, OMIM 109400.
Holoprosencephaly 7 (HPE7). Identifiers: Orphanet 2162, MedGen C1835820, MONDO:0012562, OMIM 610828.
Gorlin syndrome. Also called: Nevoid Basal Cell Carcinoma Syndrome; Basal cell nevus syndrome. Identifiers: Orphanet 377, MedGen C0004779, MONDO:0007187.
Hereditary cancer-predisposing syndrome. Also called: Tumor predisposition; Hereditary neoplastic syndrome; Neoplastic Syndromes, Hereditary; Hereditary Cancer Syndrome. Identifiers: Orphanet 140162, MedGen C0027672, MeSH D009386, MONDO:0015356.
PTCH1-related disorder. Also called: PTCH1-related disorders; PTCH1-related condition.

Allele frequency attached by ClinVar (database versions not stated): gnomAD 0.00020 and 0.00021; TOPMed 0.00021.
gnomAD v4.1: 397 of 1,613,386 alleles (0.025%); highest among the groups gnomAD compares: Non-Finnish European, 0.031%; 1 homozygote.

Submissions (13):

Labcorp Genetics (formerly Invitae), Labcorp
Classification: Likely benign for Gorlin syndrome. Last evaluated: 2026-02-03. Review status: criteria provided, single submitter. Criteria: Invitae Variant Classification Sherloc (09022015). Collection method: clinical testing. Allele origin: germline.

Center for Genomic Medicine, Rigshospitalet, Copenhagen University Hospital
Classification: Uncertain significance. Last evaluated: 2025-12-29. Review status: criteria provided, single submitter. Criteria: ACMG Guidelines, 2015. Collection method: clinical testing. Allele origin: germline.

Dasa
Classification: Likely benign. Last evaluated: 2025-05-22. Review status: criteria provided, single submitter. Criteria: DASA Assertion Criteria. Collection method: clinical testing. Allele origin: germline.
Comment: NM_000264.5(PTCH1):c.3919C>T (p.Pro1307Ser) is a missense variant that results in the substitution of proline with serine. Population frequency is inconsistent with a disease-causing role for this variant. Computational prediction algorithms are consistent with a benign effect. Therefore, based on the currently available evidence, this variant is classified as likely benign.

Department of Pathology and Laboratory Medicine, Sinai Health System
Classification: Uncertain significance for Basal cell nevus syndrome 1; Basal cell carcinoma, susceptibility to, 1; Holoprosencephaly 7. Last evaluated: 2025-02-11. Review status: criteria provided, single submitter. Criteria: ACMG Guidelines, 2015. Collection method: clinical testing. Allele origin: germline.

PreventionGenetics, part of Exact Sciences
Classification: Likely benign for PTCH1-related condition. Last evaluated: 2024-11-20. Review status: criteria provided, single submitter. Criteria: ACMG Guidelines, 2015. Collection method: clinical testing. Allele origin: germline.
Comment: This variant is classified as likely benign based on ACMG/AMP sequence variant interpretation guidelines (Richards et al. 2015 PMID: 25741868, with internal and published modifications).

Blueprint Genetics
Classification: Likely benign. Last evaluated: 2024-09-23. Review status: criteria provided, single submitter. Criteria: ACMG Guidelines, 2015. Collection method: clinical testing. Allele origin: germline.

CeGaT Center for Human Genetics Tuebingen
Classification: Likely benign. Last evaluated: 2023-06-01. Review status: criteria provided, single submitter. Criteria: CeGaT Center For Human Genetics Tuebingen Variant Classification Criteria Version 2. Collection method: clinical testing. Allele origin: germline. Affected: yes. Observed: 1 variant allele.
Comment: PTCH1: BP4

Sema4
Classification: Likely benign for Hereditary cancer-predisposing syndrome. Last evaluated: 2021-11-16. Review status: criteria provided, single submitter. Criteria: Sema4 Curation Guidelines. Collection method: curation. Allele origin: germline.

Institute for Clinical Genetics, University Hospital TU Dresden, University Hospital TU Dresden
Classification: Uncertain significance. Last evaluated: 2021-11-03. Review status: criteria provided, single submitter. Criteria: ACMG Guidelines, 2015. Collection method: clinical testing. Allele origin: germline.

Ambry Genetics
Classification: Likely benign for Hereditary cancer-predisposing syndrome. Last evaluated: 2020-11-13. Review status: criteria provided, single submitter. Criteria: Ambry Variant Classification Scheme 2023. Collection method: clinical testing. Allele origin: germline.

Fulgent Genetics
Classification: Uncertain significance for Basal cell nevus syndrome 1; Basal cell carcinoma, susceptibility to, 1; Holoprosencephaly 7. Last evaluated: 2018-10-31. Review status: criteria provided, single submitter. Criteria: ACMG Guidelines, 2015. Collection method: clinical testing. Allele origin: unknown.

Illumina Laboratory Services, Illumina
Classification: Benign for Basal cell nevus syndrome 1. Last evaluated: 2018-03-06. Review status: criteria provided, single submitter. Criteria: ICSL Variant Classification Criteria 13 December 2019. Collection method: clinical testing. Allele origin: germline.
Comment: This variant was observed in the ICSL laboratory as part of a predisposition screen in an ostensibly healthy population. It had not been previously curated by ICSL or reported in the Human Gene Mutation Database (HGMD: prior to June 1st, 2018), and was therefore a candidate for classification through an automated scoring system. Utilizing variant allele frequency, disease prevalence and penetrance estimates, and inheritance mode, an automated score was calculated to assess if this variant is too frequent to cause the disease. Based on the score and internal cut-off values, a variant classified as benign is not then subjected to further curation. The score for this variant resulted in a classification of benign for this disease.

Illumina Laboratory Services, Illumina
Classification: Likely benign for Holoprosencephaly 7. Last evaluated: 2018-03-06. Review status: criteria provided, single submitter. Criteria: ICSL Variant Classification Criteria 13 December 2019. Collection method: clinical testing. Allele origin: germline.
Comment: This variant was observed in the ICSL laboratory as part of a predisposition screen in an ostensibly healthy population. It had not been previously curated by ICSL or reported in the Human Gene Mutation Database (HGMD: prior to June 1st, 2018), and was therefore a candidate for classification through an automated scoring system. Utilizing variant allele frequency, disease prevalence and penetrance estimates, and inheritance mode, an automated score was calculated to assess if this variant is too frequent to cause the disease. Based on the score and internal cut-off values, a variant classified as likely benign is not then subjected to further curation. The score for this variant resulted in a classification of likely benign for this disease.